The following is an entry in ClinVar:

ClinVar aggregate classification (germline): Uncertain significance. Review status: criteria provided, multiple submitters, no conflicts (2 of 4 stars). 2 submissions from 2 submitters: Uncertain significance (2). Last evaluated 2024-02-26.

Conditions:
Inborn genetic diseases. Identifiers: MedGen C0950123, MeSH D030342.
Spastic ataxia 2. Also called: Ataxia, spastic, 2, autosomal recessive. Identifiers: Orphanet 397946, MedGen C1969796, MONDO:0012651, OMIM 611302.

Allele frequency attached by ClinVar (database versions not stated): gnomAD exomes below 0.00001; TOPMed below 0.00001; gnomAD 0.00001; 1000 Genomes Project 30x 0.00016; 1000 Genomes Project 0.00020.
gnomAD v4.1: 5 of 1,596,668 alleles (0.00031%); highest among the groups gnomAD compares: Admixed American, 0.0088%; no homozygotes.

Submissions (2):

Ambry Genetics
Classification: Uncertain significance for Inborn genetic diseases. Last evaluated: 2024-02-26. Review status: criteria provided, single submitter. Criteria: Ambry Variant Classification Scheme 2023. Collection method: clinical testing. Allele origin: germline.

Labcorp Genetics (formerly Invitae), Labcorp
Classification: Uncertain significance for Spastic ataxia 2. Last evaluated: 2021-09-01. Review status: criteria provided, single submitter. Criteria: Invitae Variant Classification Sherloc (09022015). Collection method: clinical testing. Allele origin: germline.
Comment: This sequence change replaces glutamic acid with lysine at codon 829 of the KIF1C protein (p.Glu829Lys). The glutamic acid residue is moderately conserved and there is a small physicochemical difference between glutamic acid and lysine. This variant is not present in population databases (ExAC no frequency). This variant has not been reported in the literature in individuals affected with KIF1C-related conditions. Algorithms developed to predict the effect of missense changes on protein structure and function are either unavailable or do not agree on the potential impact of this missense change (SIFT: "Deleterious"; PolyPhen-2: "Benign"; Align-GVGD: "Class C0"). In summary, the available evidence is currently insufficient to determine the role of this variant in disease. Therefore, it has been classified as a Variant of Uncertain Significance.

NM_006612.6(KIF1C):c.2485G>A (p.Glu829Lys)

Gene: KIF1C (kinesin family member 1C; plus strand). Cytogenetic location: 17p13.2.
Variant type: single nucleotide variant.
Coding change: c.2485G>A on transcript NM_006612.6 (MANE Select); coding-DNA position 2485, G replaced by A.
Protein change: p.Glu829Lys; replaces glutamic acid 829 with lysine.
Molecular consequence: missense variant.
Genome position (GRCh38, 1-based): chr17:5,022,566, G>A. VCF-style: chr17-5022566-G-A. GRCh37 (hg19) VCF-style: chr17-4925861-G-A.
Other names: short protein forms E829K.
Identifiers: ClinVar variation 536733 (VCV000536733.7), dbSNP rs539082919, ClinGen allele CA287186200.